The following is an entry in ClinVar:

ClinVar aggregate classification (germline): Uncertain significance (1 of 4 stars; one submission).

gnomAD v4.1: 1 of 1,612,844 alleles (0.000062%); highest among the groups gnomAD compares: Non-Finnish European, 0.000085%; no homozygotes.

Submission:

GeneDx
Classification: Uncertain significance. Last evaluated: 2026-03-25. Review status: criteria provided, single submitter. Criteria: GeneDx Variant Classification Process June 2021. Collection method: clinical testing. Allele origin: germline.
Comment: Not observed at significant frequency in large population cohorts (gnomAD); In silico analysis supports that this missense variant has a deleterious effect on protein structure/function; Has not been previously published as pathogenic or benign to our knowledge

NM_001394062.1(MACF1):c.21350G>T (p.Arg7117Leu)

Gene: MACF1 (microtubule actin crosslinking factor 1; plus strand). Cytogenetic location: 1p34.3.
Variant type: single nucleotide variant.
Coding change: c.21350G>T on transcript NM_001394062.1 (MANE Select); coding-DNA position 21350, G replaced by T.
Protein change: p.Arg7117Leu; replaces arginine 7117 with leucine.
Molecular consequence: missense variant.
Genome position (GRCh38, 1-based): chr1:39,459,239, G>T. VCF-style: chr1-39459239-G-T. GRCh37 (hg19) VCF-style: chr1-39924911-G-T.
Other names: c.9428G>T, p.Arg3143Leu (NM_001397473.1); c.15173G>T, p.Arg5058Leu (NM_012090.5); short protein forms R3143L, R5058L, R7117L.
Identifiers: ClinVar variation 5016965 (VCV005016965.1).